The following is an entry in ClinVar:

NM_001134363.3(RBM20):c.118G>C (p.Gly40Arg)

Gene: RBM20 (RNA binding motif protein 20; plus strand). Cytogenetic location: 10q25.2.
Variant type: single nucleotide variant.
Coding change: c.118G>C on transcript NM_001134363.3 (MANE Select); coding-DNA position 118, G replaced by C.
Protein change: p.Gly40Arg; replaces glycine 40 with arginine.
Molecular consequence: missense variant.
Genome position (GRCh38, 1-based): chr10:110,644,572, G>C. VCF-style: chr10-110644572-G-C. GRCh37 (hg19) VCF-style: chr10-112404330-G-C.
Other names: short protein forms G40R.
Identifiers: ClinVar variation 1046398 (VCV001046398.8), dbSNP rs1861839858, ClinGen allele CA378527725.

ClinVar aggregate classification (germline): Uncertain significance (1 of 4 stars; one submission).

Conditions:
Dilated cardiomyopathy 1DD (CMD1DD). Identifiers: Orphanet 154, MedGen C2750995, MONDO:0013168, OMIM 613172.

Submission:

Labcorp Genetics (formerly Invitae), Labcorp
Classification: Uncertain significance for Dilated cardiomyopathy 1DD. Last evaluated: 2020-05-14. Review status: criteria provided, single submitter. Criteria: Invitae Variant Classification Sherloc (09022015). Collection method: clinical testing. Allele origin: germline.
Comment: In summary, the available evidence is currently insufficient to determine the role of this variant in disease. Therefore, it has been classified as a Variant of Uncertain Significance. Algorithms developed to predict the effect of missense changes on protein structure and function are either unavailable or do not agree on the potential impact of this missense change (SIFT: "Not Available"; PolyPhen-2: "Possibly Damaging"; Align-GVGD: "Class C0"). This variant has not been reported in the literature in individuals with RBM20-related conditions. The frequency data for this variant in the population databases is considered unreliable, as metrics indicate insufficient coverage at this position in the ExAC database. This sequence change replaces glycine with arginine at codon 40 of the RBM20 protein (p.Gly40Arg). The glycine residue is weakly conserved and there is a moderate physicochemical difference between glycine and arginine.